The following is an entry in ClinVar:

NM_006767.4(LZTR1):c.2325+5C>A

Gene: LZTR1 (leucine zipper like post translational regulator 1; plus strand). Cytogenetic location: 22q11.21.
Variant type: single nucleotide variant.
Coding change: c.2325+5C>A on transcript NM_006767.4 (MANE Select); 5 bases into the intron after coding-DNA position 2325, C replaced by A.
Molecular consequence: intron variant.
Genome position (GRCh38, 1-based): chr22:20,996,806, C>A. VCF-style: chr22-20996806-C-A. GRCh37 (hg19) VCF-style: chr22-21351095-C-A.
Identifiers: ClinVar variation 1399930 (VCV001399930.6), dbSNP rs1197763629, ClinGen allele CA638942608.

ClinVar aggregate classification (germline): Uncertain significance (1 of 4 stars; one submission).

Allele frequency attached by ClinVar (database versions not stated): gnomAD exomes below 0.00001.
gnomAD v4.1: 2 of 1,613,060 alleles (0.00012%); highest among the groups gnomAD compares: Non-Finnish European, 0.00017%; no homozygotes.

Submission:

Labcorp Genetics (formerly Invitae), Labcorp
Classification: Uncertain significance. Last evaluated: 2021-12-02. Review status: criteria provided, single submitter. Criteria: Invitae Variant Classification Sherloc (09022015). Collection method: clinical testing. Allele origin: germline.
Comment: In summary, the available evidence is currently insufficient to determine the role of this variant in disease. Therefore, it has been classified as a Variant of Uncertain Significance. Variants that disrupt the consensus splice site are a relatively common cause of aberrant splicing (PMID: 17576681, 9536098). Algorithms developed to predict the effect of sequence changes on RNA splicing suggest that this variant is not likely to affect RNA splicing. This variant has not been reported in the literature in individuals affected with LZTR1-related conditions. This variant is present in population databases (no rsID available, gnomAD 0.0009%). This sequence change falls in intron 19 of the LZTR1 gene. It does not directly change the encoded amino acid sequence of the LZTR1 protein. It affects a nucleotide within the consensus splice site.

Literature cited by the submitters: PubMed 17576681; PubMed 9536098.